The following is an entry in ClinVar:

NM_001349253.2(SCN11A):c.2950-5T>A

Gene: SCN11A (sodium voltage-gated channel alpha subunit 11; minus strand). Cytogenetic location: 3p22.2.
Variant type: single nucleotide variant.
Coding change: c.2950-5T>A on transcript NM_001349253.2 (MANE Select); 5 bases into the intron before coding-DNA position 2950, T replaced by A.
Molecular consequence: intron variant.
Genome position (GRCh38, 1-based): chr3:38,885,407, A>T on the plus strand (T>A on the coding strand, the complement: SCN11A is on the minus strand). VCF-style: chr3-38885407-A-T. GRCh37 (hg19) VCF-style: chr3-38926898-A-T.
Other names: c.2950-5T>A (NM_014139.3).
Identifiers: ClinVar variation 1982295 (VCV001982295.4), dbSNP rs777598489, ClinGen allele CA2321901.

ClinVar aggregate classification (germline): Uncertain significance (1 of 4 stars; one submission).

Conditions:
Hereditary sensory and autonomic neuropathy type 7. Also called: HSAN VII; Neuropathy, hereditary sensory and autonomic, type VII. Identifiers: Orphanet 391397, MedGen C3809882, MONDO:0014244, OMIM 615548.
Familial episodic pain syndrome with predominantly lower limb involvement. Also called: Episodic pain syndrome, familial, 3. Identifiers: Orphanet 391384, Orphanet 391392, MedGen C3809899, MONDO:0014247, OMIM 615552.

Allele frequency attached by ClinVar (database versions not stated): gnomAD exomes below 0.00001; ExAC 0.00001.
gnomAD v4.1: 5 of 1,536,192 alleles (0.00033%); highest among the groups gnomAD compares: Non-Finnish European, 0.00045%; no homozygotes.

Submission:

Labcorp Genetics (formerly Invitae), Labcorp
Classification: Uncertain significance for Familial episodic pain syndrome with predominantly lower limb involvement; Hereditary sensory and autonomic neuropathy type 7. Last evaluated: 2022-04-08. Review status: criteria provided, single submitter. Criteria: Invitae Variant Classification Sherloc (09022015). Collection method: clinical testing. Allele origin: germline.
Comment: This sequence change falls in intron 16 of the SCN11A gene. It does not directly change the encoded amino acid sequence of the SCN11A protein. This variant is present in population databases (rs777598489, gnomAD 0.0009%). This variant has not been reported in the literature in individuals affected with SCN11A-related conditions. Algorithms developed to predict the effect of sequence changes on RNA splicing suggest that this variant may disrupt the consensus splice site. In summary, the available evidence is currently insufficient to determine the role of this variant in disease. Therefore, it has been classified as a Variant of Uncertain Significance.